The following is an entry in ClinVar:

NM_004415.4(DSP):c.4919T>G (p.Leu1640Arg)

Gene: DSP (desmoplakin; plus strand). Cytogenetic location: 6p24.3.
Variant type: single nucleotide variant.
Coding change: c.4919T>G on transcript NM_004415.4 (MANE Select); coding-DNA position 4919, T replaced by G.
Protein change: p.Leu1640Arg; replaces leucine 1640 with arginine.
Molecular consequence: missense variant. On other transcripts: intron variant (2).
Genome position (GRCh38, 1-based): chr6:7,581,109, T>G. VCF-style: chr6-7581109-T-G. GRCh37 (hg19) VCF-style: chr6-7581342-T-G.
Other names: c.4050+869T>G (NM_001319034.2); c.3582+1337T>G (NM_001008844.3); short protein forms L1640R.
Identifiers: ClinVar variation 2775317 (VCV002775317.2), dbSNP rs2533930853, ClinGen allele CA362687445.

ClinVar aggregate classification (germline): Uncertain significance (1 of 4 stars; one submission).

Conditions:
Cardiomyopathy (CMYO). Also called: Cardiomyopathies. Identifiers: Orphanet 167848, MedGen C0878544, MONDO:0004994, HP:0001638. Inheritance: Various modes of inheritance.

gnomAD v4.1: 1 of 1,614,080 alleles (0.000062%); highest among the groups gnomAD compares: Non-Finnish European, 0.000085%; no homozygotes.

Submission:

Color Diagnostics, LLC DBA Color Health
Classification: Uncertain significance for Cardiomyopathy. Last evaluated: 2023-12-27. Review status: criteria provided, single submitter. Criteria: ACMG Guidelines, 2015. Collection method: clinical testing. Allele origin: germline.
Comment: This missense variant replaces leucine with arginine at codon 1640 of the DSP protein. Computational prediction suggests that this variant may not impact protein structure and function (internally defined REVEL score threshold <= 0.5, PMID: 27666373). To our knowledge, functional studies have not been reported for this variant. This variant has not been reported in individuals affected with DSP-related disorders in the literature. This variant has not been identified in the general population by the Genome Aggregation Database (gnomAD). The available evidence is insufficient to determine the role of this variant in disease conclusively. Therefore, this variant is classified as a Variant of Uncertain Significance.